The following is an entry in ClinVar:

ClinVar aggregate classification (germline): Pathogenic (1 of 4 stars; one submission).

Conditions:
Immunodeficiency 104. Also called: Severe combined immunodeficiency, autosomal recessive, T cell-negative, B cell-positive, NK cell-positive; Severe Combined Immune Deficiency, Autosomal Recessive, TCell -Negative, B Cell-Positive, NK Cell-Positive, IL7R-Related; SCID, AUTOSOMAL RECESSIVE, T CELL-NEGATIVE, B CELL-POSITIVE, NK CELL-POSITIVE; IMMUNODEFICIENCY 104, SEVERE COMBINED. Identifiers: MedGen C5676890, MONDO:0012163, OMIM 608971.

Submission:

Labcorp Genetics (formerly Invitae), Labcorp
Classification: Pathogenic for Immunodeficiency 104. Last evaluated: 2024-03-14. Review status: criteria provided, single submitter. Criteria: Invitae Variant Classification Sherloc (09022015). Collection method: clinical testing. Allele origin: germline.
Comment: This sequence change creates a premature translational stop signal (p.Glu172Lysfs*10) in the IL7R gene. It is expected to result in an absent or disrupted protein product. Loss-of-function variants in IL7R are known to be pathogenic (PMID: 21664875, 26123418). This variant is present in population databases (no rsID available, gnomAD 0.0009%). This variant has not been reported in the literature in individuals affected with IL7R-related conditions. ClinVar contains an entry for this variant (Variation ID: 1437489). For these reasons, this variant has been classified as Pathogenic.

Literature cited by the submitters: PubMed 21664875; PubMed 26123418.

NM_002185.5(IL7R):c.514del (p.Glu172fs)

Gene: IL7R (interleukin 7 receptor; plus strand). Cytogenetic location: 5p13.2.
Variant type: Deletion.
Coding change: c.514del on transcript NM_002185.5 (MANE Select); coding-DNA position 514, one base deleted (G; older notation c.514delG).
Protein change: p.Glu172fs; shifts the reading frame from glutamic acid 172.
Molecular consequence: frameshift variant. On other transcripts: non-coding transcript variant (1).
Genome position (GRCh38, 1-based): chr5:35,871,190, G deleted; the last of 2 consecutive G bases (chr5:35,871,189-35,871,190); deleting either gives the same sequence. VCF-style (leftmost placement, unchanged base first): chr5-35871188-AG-A. GRCh37 (hg19) VCF-style: chr5-35871290-AG-A.
Other names: short protein forms E172fs.
Identifiers: ClinVar variation 1437489 (VCV001437489.7), dbSNP rs1225034187, ClinGen allele CA558996045.